The following is an entry in ClinVar:

NM_201596.3(CACNB2):c.641G>C (p.Ser214Thr)

Gene: CACNB2 (calcium voltage-gated channel auxiliary subunit beta 2; plus strand). Cytogenetic location: 10p12.31.
Variant type: single nucleotide variant.
Coding change: c.641G>C on transcript NM_201596.3 (MANE Select); coding-DNA position 641, G replaced by C.
Protein change: p.Ser214Thr; replaces serine 214 with threonine.
Molecular consequence: missense variant.
Genome position (GRCh38, 1-based): chr10:18,506,518, G>C. VCF-style: chr10-18506518-G-C. GRCh37 (hg19) VCF-style: chr10-18795447-G-C.
Other names: p.S159T:AGT>ACT; p.Ser160Thr; c.476G>C, p.Ser159Thr (NM_000724.4, NM_001330060.2); c.557G>C, p.Ser186Thr (NM_001167945.2, NM_201571.4, NM_201572.4); c.497G>C, p.Ser166Thr (NM_201570.3); c.479G>C, p.Ser160Thr (NM_201590.3); c.641G>C, p.Ser214Thr (NM_201593.3, NM_201597.3); short protein forms S159T, S160T, S214T, S166T, S186T.
Identifiers: ClinVar variation 161211 (VCV000161211.68), dbSNP rs149253719, ClinGen allele CA211393.

ClinVar aggregate classification (germline): Conflicting classifications of pathogenicity. Review status: criteria provided, conflicting classifications (1 of 4 stars). 16 submissions from 16 submitters: Uncertain significance (3); Benign (3); Likely benign (8). 2 of the submissions do not count toward it. Last evaluated 2026-02-01.

Conditions:
CACNB2-related disorder. Also called: CACNB2-related condition.
Cardiovascular phenotype. Identifiers: MedGen CN230736.
Early repolarization associated with ventricular fibrillation. Identifiers: MedGen C3150852, MONDO:0013318, OMIM 613601.
Long QT syndrome (LQTS). Identifiers: MedGen C0023976, MeSH D008133, MONDO:0002442. Disease mechanism: loss of function. Inheritance: Various modes of inheritance.
Brugada syndrome. Also called: Sudden unexplained nocturnal death syndrome; Sudden Unexplained Death Syndrome; Sudden Unexplained Nocturnal Death Syndrome (SUNDS); Sudden unexpected nocturnal death syndrome. Identifiers: Orphanet 130, MedGen C1142166, MONDO:0015263.
Brugada syndrome 4 (BRGDA4). Identifiers: Orphanet 130, MedGen C2678477, MONDO:0012743, OMIM 611876.

Allele frequency attached by ClinVar (database versions not stated): TOPMed 0.00076; gnomAD 0.00078 and 0.00089; ESP Exome Variant Server 0.00085; 1000 Genomes Project 30x 0.00141; 1000 Genomes Project 0.00180.
gnomAD v4.1: 1,707 of 1,611,704 alleles (0.11%); highest among the groups gnomAD compares: Middle Eastern, 0.41%; 6 homozygotes.

Submissions (16):

CeGaT Center for Human Genetics Tuebingen
Classification: Benign. Last evaluated: 2026-02-01. Review status: criteria provided, single submitter. Criteria: CeGaT Center For Human Genetics Tuebingen Variant Classification Criteria Version 2. Collection method: clinical testing. Allele origin: germline. Affected: yes. Observed: 4 variant alleles.
Comment: CACNB2: BP4, BS1, BS2

Labcorp Genetics (formerly Invitae), Labcorp
Classification: Likely benign for Brugada syndrome 4. Last evaluated: 2026-01-28. Review status: criteria provided, single submitter. Criteria: Invitae Variant Classification Sherloc (09022015). Collection method: clinical testing. Allele origin: germline.

Blueprint Genetics
Classification: Likely benign. Last evaluated: 2024-11-26. Review status: criteria provided, single submitter. Criteria: ACMG Guidelines, 2015. Collection method: clinical testing. Allele origin: germline.

PreventionGenetics, part of Exact Sciences
Classification: Likely benign for CACNB2-related condition. Last evaluated: 2024-10-27. Review status: criteria provided, single submitter. Criteria: ACMG Guidelines, 2015. Collection method: clinical testing. Allele origin: germline.
Comment: This variant is classified as likely benign based on ACMG/AMP sequence variant interpretation guidelines (Richards et al. 2015 PMID: 25741868, with internal and published modifications).

Mayo Clinic Laboratories, Mayo Clinic
Classification: Benign. Last evaluated: 2024-02-28. Review status: criteria provided, single submitter. Criteria: ACMG Guidelines, 2015. Collection method: clinical testing. Allele origin: germline. Observed: 2 variant alleles.
Comment: BS1, BS2

Dept of Medical Biology, Uskudar University
Classification: Uncertain significance for Long QT syndrome. Last evaluated: 2024-01-08. Review status: criteria provided, single submitter. Criteria: Dept of Medical Biology Variant Classification. Collection method: research. Allele origin: maternal. Affected: yes. Observed: 1 variant allele.
Comment: Criteria: BS1, PP3

Women's Health and Genetics/Laboratory Corporation of America, LabCorp
Classification: Likely benign. Last evaluated: 2020-10-26. Review status: criteria provided, single submitter. Criteria: LabCorp Variant Classification Summary - May 2015. Collection method: clinical testing. Allele origin: germline.
Comment: Variant summary: CACNB2 c.479G>C (p.Ser160Thr) results in a conservative amino acid change located in the SH3 domain (IPR001452) of the encoded protein sequence. Four of five in-silico tools predict a benign effect of the variant on protein function. The variant allele was found at a frequency of 0.005 in 250611 control chromosomes, predominantly at a frequency of 0.0015 within the Non-Finnish European subpopulation in the gnomAD database. The observed variant frequency within Non-Finnish European control individuals in the gnomAD database is approximately 480 fold of the estimated maximal expected allele frequency for a pathogenic variant in CACNB2 causing Brugada Syndrome phenotype (3.1e-06), strongly suggesting that the variant is a benign polymorphism found primarily in populations of Non-Finnish European origin. c.479G>C has been reported in the literature in individuals affected with early repolarization syndrome, Brugada Syndrome and Sudden cardiac death (Burashnikov_2010, Crotti_2012, Christiansen_2016). These reports do not provide unequivocal conclusions about association of the variant with Brugada Syndrome. To our knowledge, no experimental evidence demonstrating an impact on protein function has been reported. Eight ClinVar submitters (evaluation after 2014) cite the variant as uncertain significance (3x), likely benign (4x) and benign (1x). Based on the evidence outlined above, the variant was classified as likely benign.

GeneDx
Classification: Likely benign. Last evaluated: 2020-09-23. Review status: criteria provided, single submitter. Criteria: GeneDx Variant Classification Process June 2021. Collection method: clinical testing. Allele origin: germline. Affected: yes.
Comment: This variant is associated with the following publications: (PMID: 25637381, 20817017, 24055113, 23861362, 27650965)

Mendelics
Classification: Benign for Brugada syndrome 4. Last evaluated: 2019-05-28. Review status: criteria provided, single submitter. Criteria: Mendelics Assertion Criteria 2017. Collection method: clinical testing. Allele origin: unknown.

Center for Advanced Laboratory Medicine, UC San Diego Health, University of California San Diego
Classification: Likely benign for Brugada syndrome. Last evaluated: 2018-02-27. Review status: criteria provided, single submitter. Criteria: ACMG Guidelines, 2015. Collection method: clinical testing. Allele origin: germline. Affected: yes. Observed: 1 variant allele.

Ambry Genetics
Classification: Likely benign for Cardiovascular phenotype. Last evaluated: 2018-01-09. Review status: criteria provided, single submitter. Criteria: Ambry Variant Classification Scheme 2023. Collection method: clinical testing. Allele origin: germline.

Laboratory for Molecular Medicine, Mass General Brigham Personalized Medicine
Classification: Uncertain significance. Last evaluated: 2016-03-29. Review status: criteria provided, single submitter. Criteria: LMM Criteria. Collection method: clinical testing. Allele origin: germline.
Comment: Variant identified in a genome or exome case(s) and assessed due to predicted null impact of the variant or pathogenic assertions in the literature or databases. Disclaimer: This variant has not undergone full assessment. The following are preliminary notes: Only 1 proband in HGMD, ExAC: 0.1% (23/16008) South Asian chromosomes

Stanford Center for Inherited Cardiovascular Disease, Stanford University
Classification: Uncertain significance. Last evaluated: 2014-06-10. Review status: criteria provided, single submitter. Criteria: ACMG Guidelines, 2015. Collection method: provider interpretation. Allele origin: germline.

Biesecker Lab/Clinical Genomics Section, National Institutes of Health
Classification: Likely benign. Last evaluated: 2013-06-24. Review status: criteria provided, single submitter. Criteria: Ng et al. (Circ Cardiovasc Genet. 2013). Collection method: research. Allele origin: unknown. Observed: 3 variant alleles. Study: ClinSeq.
Comment: The study set was not selected for affection status in relation to any cancer. Pathogenicity categories were based on literature curation. See Pubmed ID:23861362 for details.

Medical sequencing

Bioscientia Institut fuer Medizinische Diagnostik GmbH, Sonic Healthcare
Classification: Uncertain significance for Brugada syndrome 4. Last evaluated: 2019-06-25. Review status: no assertion criteria provided. Collection method: clinical testing. Allele origin: germline. Affected: yes. Not counted in ClinVar's aggregate classification.

CSER _CC_NCGL, University of Washington
Classification: Uncertain significance for Early repolarization syndrome. Last evaluated: 2014-06-01. Review status: no assertion criteria provided. Collection method: research. Allele origin: germline. Inheritance: Autosomal dominant inheritance. Study: ESP 6500 variant annotation. Not counted in ClinVar's aggregate classification.
Comment: Variants classified for the Actionable exomic incidental findings in 6503 participants: challenges of variant classification manuscript

Literature cited by the submitters: PubMed 20817017 (cited by Mayo Clinic Laboratories, Mayo Clinic and Women's Health and Genetics/Laboratory Corporation of America, LabCorp); PubMed 24055113 (cited by Mayo Clinic Laboratories, Mayo Clinic and Women's Health and Genetics/Laboratory Corporation of America, LabCorp); PubMed 27650965 (cited by Mayo Clinic Laboratories, Mayo Clinic and Women's Health and Genetics/Laboratory Corporation of America, LabCorp); PubMed 34222376 (cited by Mayo Clinic Laboratories, Mayo Clinic); PubMed 22840528 (cited by Women's Health and Genetics/Laboratory Corporation of America, LabCorp); PubMed 26707467 (cited by Women's Health and Genetics/Laboratory Corporation of America, LabCorp); PubMed 30027834 (cited by Women's Health and Genetics/Laboratory Corporation of America, LabCorp).